The following is an entry in ClinVar:

ClinVar aggregate classification (germline): Pathogenic (1 of 4 stars; one submission).

Conditions:
Multiple acyl-CoA dehydrogenase deficiency (MADD). Also called: ETHYLMALONIC-ADIPICACIDURIA; GA II; Glutaric aciduria, type 2; Glutaric acidemia type II; GA 2; Glutaric Acidemia type 2. Identifiers: Orphanet 26791, MedGen C0268596, MONDO:0009282, OMIM 231680.

Submission:

Labcorp Genetics (formerly Invitae), Labcorp
Classification: Pathogenic for Multiple acyl-CoA dehydrogenase deficiency. Last evaluated: 2023-10-12. Review status: criteria provided, single submitter. Criteria: Invitae Variant Classification Sherloc (09022015). Collection method: clinical testing. Allele origin: unknown.
Comment: This variant is a gross deletion of the genomic region encompassing exon(s) 1-9 of the ETFA gene, which includes the initiator codon. This deletion extends beyond the assayed region for this gene and therefore may encompass additional genes. It is expected to result in an absent or disrupted protein product. Loss-of-function variants in ETFA are known to be pathogenic (PMID: 16510302, 23785301). This variant has not been reported in the literature in individuals affected with ETFA-related conditions. For these reasons, this variant has been classified as Pathogenic.

Literature cited by the submitters: PubMed 16510302; PubMed 23785301.

NC_000015.9:g.(?_76566733)_(76603729_?)del

Gene: ETFA (electron transfer flavoprotein subunit alpha; minus strand). Cytogenetic location: 15q24.2-24.3.
Variant type: Deletion.
Identifiers: ClinVar variation 3243764 (VCV003243764.1).